The following is an entry in ClinVar:

NM_001942.4(DSG1):c.2923G>A (p.Gly975Ser)

Genes: DSG1 (desmoglein 1; plus strand), DSG1-AS1 (DSG1 antisense RNA 1; minus strand). Cytogenetic location: 18q12.1.
Variant type: single nucleotide variant.
Coding change: c.2923G>A on transcript NM_001942.4 (MANE Select); coding-DNA position 2923, G replaced by A.
Protein change: p.Gly975Ser; replaces glycine 975 with serine.
Molecular consequence: missense variant.
Genome position (GRCh38, 1-based): chr18:31,355,119, G>A. VCF-style: chr18-31355119-G-A. GRCh37 (hg19) VCF-style: chr18-28935082-G-A.
Other names: short protein forms G975S.
Identifiers: ClinVar variation 1468006 (VCV001468006.8), dbSNP rs763543873, ClinGen allele CA402125115.
Genomic context (GRCh38, chr18:31,355,119, plus strand): 5'-GTTGTTTCTGGTGCTGGCGTAACTGGAATTAGTGGCACCACTGGGATCAGCGGTGGCATA[G>A]GCAGCAGTGGCCTGGTTGGCACCAGCATGGGTGCTGGGAGCGGTGCCCTGAGTGGAGCTG-3'
Protein context (NP_001933.2, residues 965-985): SGTTGISGGI[Gly975Ser]SSGLVGTSMG

ClinVar aggregate classification (germline): Uncertain significance (1 of 4 stars; one submission).

Allele frequency attached by ClinVar (database versions not stated): gnomAD exomes 0.00001.
gnomAD v4.1: 3 of 1,613,652 alleles (0.00019%); highest among the groups gnomAD compares: Non-Finnish European, 0.00017%; no homozygotes.

Submission:

Labcorp Genetics (formerly Invitae), Labcorp
Classification: Uncertain significance. Last evaluated: 2025-08-06. Review status: criteria provided, single submitter. Criteria: Invitae Variant Classification Sherloc (09022015). Collection method: clinical testing. Allele origin: germline.
Comment: This sequence change replaces glycine, which is neutral and non-polar, with serine, which is neutral and polar, at codon 975 of the DSG1 protein (p.Gly975Ser). This variant is present in population databases (no rsID available, gnomAD 0.004%). This variant has not been reported in the literature in individuals affected with DSG1-related conditions. ClinVar contains an entry for this variant (Variation ID: 1468006). An algorithm developed to predict the effect of missense changes on protein structure and function outputs the following: PolyPhen-2: "Benign". The serine amino acid residue is found in multiple mammalian species, which suggests that this missense change does not adversely affect protein function. In summary, the available evidence is currently insufficient to determine the role of this variant in disease. Therefore, it has been classified as a Variant of Uncertain Significance.